The following is an entry in ClinVar:

ClinVar aggregate classification (germline): Conflicting classifications of pathogenicity. Review status: criteria provided, conflicting classifications (1 of 4 stars). 8 submissions from 7 submitters: Uncertain significance (2); Benign (1); Likely benign (3). 2 of the submissions do not count toward it. Last evaluated 2026-09-01.

Conditions:
Microphthalmia with brain and digit anomalies (MCOPS6). Also called: Microphthalmia, syndromic 6; MICROPHTHALMIA AND PITUITARY ANOMALIES. Identifiers: Orphanet 139471, MedGen C1864689, MONDO:0011936, OMIM 607932.
Orofacial cleft 11 (OFC11). Also called: CLEFT LIP WITH OR WITHOUT CLEFT PALATE, NONSYNDROMIC, 11; Orofacial cleft 11; ofc11. Identifiers: MedGen C2677434, MONDO:0010906, OMIM 600625.

Allele frequency attached by ClinVar (database versions not stated): gnomAD 0.00048 and 0.00050; ExAC 0.00049; TOPMed 0.00053; gnomAD exomes 0.00056 and 0.00092; ESP Exome Variant Server 0.00085.
gnomAD v4.1: 1,394 of 1,599,938 alleles (0.087%); highest among the groups gnomAD compares: Non-Finnish European, 0.11%; no homozygotes.

Submissions (8):

CeGaT Center for Human Genetics Tuebingen
Classification: Likely benign. Last evaluated: 2026-09-01. Review status: criteria provided, single submitter. Criteria: CeGaT Center For Human Genetics Tuebingen Variant Classification Criteria Version 2. Collection method: clinical testing. Allele origin: germline. Affected: yes. Observed: 3 variant alleles.
Comment: BMP4: BP4

Labcorp Genetics (formerly Invitae), Labcorp
Classification: Benign for Microphthalmia with brain and digit anomalies; Orofacial cleft 11. Last evaluated: 2025-12-23. Review status: criteria provided, single submitter. Criteria: Invitae Variant Classification Sherloc (09022015). Collection method: clinical testing. Allele origin: germline.

Blueprint Genetics
Classification: Likely benign. Last evaluated: 2024-10-25. Review status: criteria provided, single submitter. Criteria: ACMG Guidelines, 2015. Collection method: clinical testing. Allele origin: germline.

GeneDx
Classification: Uncertain significance. Last evaluated: 2021-06-16. Review status: criteria provided, single submitter. Criteria: GeneDx Variant Classification Process June 2021. Collection method: clinical testing. Allele origin: germline. Affected: yes.
Comment: Identified in patients with ocular malformation defects and described as likely to be inconsequential in published literature (Bakrania et al., 2008); In silico analysis, which includes splice predictors and evolutionary conservation, supports that this variant does not alter protein structure/function; This variant is associated with the following publications: (PMID: 27535533, 18252212)

Illumina Laboratory Services, Illumina
Classification: Uncertain significance for Orofacial cleft 11. Last evaluated: 2017-04-27. Review status: criteria provided, single submitter. Criteria: ICSL Variant Classification Criteria 13 December 2019. Collection method: clinical testing. Allele origin: germline.

Illumina Laboratory Services, Illumina
Classification: Likely benign for Microphthalmia with brain and digit anomalies. Last evaluated: 2017-04-27. Review status: criteria provided, single submitter. Criteria: ICSL Variant Classification Criteria 13 December 2019. Collection method: clinical testing. Allele origin: germline.
Comment: This variant was observed as part of a predisposition screen in an ostensibly healthy population. A literature search was performed for the gene, cDNA change, and amino acid change (where applicable). Publications were found based on this search. The evidence from the literature, in combination with allele frequency data from public databases where available, was sufficient to determine this variant is unlikely to cause disease. Therefore, this variant is classified as likely benign.

Clinical Genetics DNA and cytogenetics Diagnostics Lab, Erasmus MC, Erasmus Medical Center
Classification: Likely benign. Review status: no assertion criteria provided. Collection method: clinical testing. Allele origin: germline. Affected: yes. Study: VKGL Data-share Consensus. Not counted in ClinVar's aggregate classification.

Clinical Genetics, Academic Medical Center
Classification: Benign. Review status: no assertion criteria provided. Collection method: clinical testing. Allele origin: germline. Affected: yes. Study: VKGL Data-share Consensus. Not counted in ClinVar's aggregate classification.

Literature cited by the submitters: PubMed 18252212 (cited by Illumina Laboratory Services, Illumina).

NM_001202.6(BMP4):c.345C>T (p.Asn115=)

Gene: BMP4 (bone morphogenetic protein 4; minus strand). Cytogenetic location: 14q22.2.
Variant type: single nucleotide variant.
Coding change: c.345C>T on transcript NM_001202.6 (MANE Select); coding-DNA position 345, C replaced by T.
Protein change: p.Asn115=; no amino-acid change (asparagine 115 retained).
Molecular consequence: synonymous variant.
Genome position (GRCh38, 1-based): chr14:53,951,878, G>A on the plus strand (C>T on the coding strand, the complement: BMP4 is on the minus strand). VCF-style: chr14-53951878-G-A. GRCh37 (hg19) VCF-style: chr14-54418596-G-A.
Other names: c.486C>T, p.Asn162= (NM_001347912.1); c.156C>T, p.Asn52= (NM_001347913.2, NM_001347915.2, NM_001347917.1); c.345C>T, p.Asn115= (NM_001347914.2, NM_001347916.1, NM_130850.5 and 1 more transcripts).
Identifiers: ClinVar variation 767320 (VCV000767320.33), dbSNP rs143687498, ClinGen allele CA7191786.